The following is an entry in ClinVar:

ClinVar aggregate classification (germline): Uncertain significance (1 of 4 stars; one submission).

Conditions:
Meckel-Gruber syndrome. Also called: DYSENCEPHALIA SPLANCHNOCYSTICA; GRUBER SYNDROME; Dysencephalia splachnocystica. Identifiers: Orphanet 564, MedGen C0265215, MONDO:0018921.
Joubert syndrome. Also called: CEREBELLOPARENCHYMAL DISORDER IV; JOUBERT-BOLTSHAUSER SYNDROME; Familial aplasia of the vermis. Identifiers: Orphanet 475, MedGen C5979921, MONDO:0018772.

Submission:

Labcorp Genetics (formerly Invitae), Labcorp
Classification: Uncertain significance for Joubert syndrome; Meckel-Gruber syndrome. Last evaluated: 2024-05-15. Review status: criteria provided, single submitter. Criteria: Invitae Variant Classification Sherloc (09022015). Collection method: clinical testing. Allele origin: germline.
Comment: This sequence change replaces arginine, which is basic and polar, with leucine, which is neutral and non-polar, at codon 975 of the TMEM67 protein (p.Arg975Leu). This variant is not present in population databases (gnomAD no frequency). This variant has not been reported in the literature in individuals affected with TMEM67-related conditions. ClinVar contains an entry for this variant (Variation ID: 1513054). Advanced modeling of protein sequence and biophysical properties (such as structural, functional, and spatial information, amino acid conservation, physicochemical variation, residue mobility, and thermodynamic stability) performed at Invitae indicates that this missense variant is expected to disrupt TMEM67 protein function with a positive predictive value of 95%. Algorithms developed to predict the effect of sequence changes on RNA splicing suggest that this variant may disrupt the consensus splice site. In summary, the available evidence is currently insufficient to determine the role of this variant in disease. Therefore, it has been classified as a Variant of Uncertain Significance.

NM_153704.6(TMEM67):c.2924G>T (p.Arg975Leu)

Gene: TMEM67 (transmembrane protein 67; plus strand). Cytogenetic location: 8q22.1.
Variant type: single nucleotide variant.
Coding change: c.2924G>T on transcript NM_153704.6 (MANE Select); coding-DNA position 2924, G replaced by T.
Protein change: p.Arg975Leu; replaces arginine 975 with leucine.
Molecular consequence: missense variant. On other transcripts: non-coding transcript variant (1).
Genome position (GRCh38, 1-based): chr8:93,816,388, G>T. VCF-style: chr8-93816388-G-T. GRCh37 (hg19) VCF-style: chr8-94828616-G-T.
Other names: c.2681G>T, p.Arg894Leu (NM_001142301.1); short protein forms R975L, R894L.
Identifiers: ClinVar variation 1513054 (VCV001513054.6), dbSNP rs191759530, ClinGen allele CA371701532.
Genomic context (GRCh38, chr8:93,816,388, plus strand): 5'-TCTGTTTATATTTCTTTTCATTCTGAATTGTTTTAATTTTCCAGATTTTTAGATATATCC[G>T]TAATACAGTAGGACAAAAGAATTTGGCATCCAAAACATTGGTGGATCAAAGATTTTTGAT-3'
Protein context (NP_714915.3, residues 965-985): YLQQEIFRYI[Arg975Leu]NTVGQKNLAS